The following is an entry in ClinVar:

NM_014263.4(YME1L1):c.131G>A (p.Arg44Gln)

Gene: YME1L1 (YME1 like 1 ATPase; minus strand). Cytogenetic location: 10p12.1.
Variant type: single nucleotide variant.
Coding change: c.131G>A on transcript NM_014263.4 (MANE Select); coding-DNA position 131, G replaced by A.
Protein change: p.Arg44Gln; replaces arginine 44 with glutamine.
Molecular consequence: missense variant.
Genome position (GRCh38, 1-based): chr10:27,148,943, C>T on the plus strand (G>A on the coding strand, the complement: YME1L1 is on the minus strand). VCF-style: chr10-27148943-C-T. GRCh37 (hg19) VCF-style: chr10-27437872-C-T.
Other names: c.131G>A, p.Arg44Gln (NM_001253866.2, NM_139312.3); short protein forms R44Q.
Identifiers: ClinVar variation 2080330 (VCV002080330.4), dbSNP rs370481815, ClinGen allele CA5449752.

ClinVar aggregate classification (germline): Uncertain significance (1 of 4 stars; one submission).

Allele frequency attached by ClinVar (database versions not stated): 1000 Genomes Project 0.00020; TOPMed 0.00002; ExAC 0.00003; 1000 Genomes Project 30x 0.00031; gnomAD exomes 0.00001; gnomAD 0.00002; ESP Exome Variant Server 0.00015.
gnomAD v4.1: 12 of 1,613,948 alleles (0.00074%); highest among the groups gnomAD compares: African/African-American, 0.0067%; no homozygotes.

Submission:

Labcorp Genetics (formerly Invitae), Labcorp
Classification: Uncertain significance. Last evaluated: 2022-10-22. Review status: criteria provided, single submitter. Criteria: Invitae Variant Classification Sherloc (09022015). Collection method: clinical testing. Allele origin: germline.
Comment: This variant has not been reported in the literature in individuals affected with YME1L1-related conditions. In summary, the available evidence is currently insufficient to determine the role of this variant in disease. Therefore, it has been classified as a Variant of Uncertain Significance. Algorithms developed to predict the effect of missense changes on protein structure and function (SIFT, PolyPhen-2, Align-GVGD) all suggest that this variant is likely to be tolerated. This variant is present in population databases (rs370481815, gnomAD 0.01%). This sequence change replaces arginine, which is basic and polar, with glutamine, which is neutral and polar, at codon 44 of the YME1L1 protein (p.Arg44Gln).